The following is an entry in ClinVar:

ClinVar aggregate classification (germline): Likely pathogenic. Review status: criteria provided, multiple submitters, no conflicts (2 of 4 stars). 4 submissions from 4 submitters: Likely pathogenic (3). 1 of the submissions does not count toward it. Last evaluated 2025-12-11.

Conditions:
Autosomal recessive limb-girdle muscular dystrophy. Identifiers: Orphanet 102015, MedGen C2931907, MONDO:0015152.
ANO5-related disorder. Also called: ANO5-related disorders; ANO5-related condition. Identifiers: MedGen CN239193.

gnomAD v4.1: 2 of 1,610,770 alleles (0.00012%); highest among the groups gnomAD compares: East Asian, 0.0045%; no homozygotes.

Submissions (4):

Women's Health and Genetics/Laboratory Corporation of America, LabCorp
Classification: Likely pathogenic for Autosomal recessive limb-girdle muscular dystrophy. Last evaluated: 2025-12-11. Review status: criteria provided, single submitter. Criteria: LabCorp Variant Classification Summary - May 2015. Collection method: clinical testing. Allele origin: germline.
Comment: Variant summary: ANO5 c.2498T>G (p.Met833Arg) results in a non-conservative amino acid change in the encoded protein sequence. Algorithms developed to predict the effect of missense changes on protein structure and function are either unavailable or do not agree on the potential impact of this missense change. The variant allele was found at a frequency of 8e-06 in 250750 control chromosomes. c.2498T>G has been observed in at least one homozygous individual affected with Limb-Girdle Muscular Dystrophy, Autosomal Recessive (example: Cai_2019). These data indicate that the variant may be associated with disease. At least one missense variant at the Met833 residue have been reported as likely pathogenic/pathogenic (c.2498T>A/p.Met833Lys), suggesting this codon could be critical for normal function of the protein. To our knowledge, no experimental evidence demonstrating an impact on protein function has been reported. The following publication has been ascertained in the context of this evaluation (PMID: 31350120). ClinVar contains an entry for this variant (Variation ID: 2430738). Based on the evidence outlined above, the variant was classified as likely pathogenic.

Blueprint Genetics
Classification: Likely pathogenic for ANO5-related disorders. Last evaluated: 2023-09-07. Review status: criteria provided, single submitter. Criteria: ACMG Guidelines, 2015. Collection method: clinical testing. Allele origin: germline. Affected: yes. Observed: 1 variant allele.

GeneDx
Classification: Likely pathogenic. Last evaluated: 2022-08-22. Review status: criteria provided, single submitter. Criteria: GeneDx Variant Classification Process June 2021. Collection method: clinical testing. Allele origin: germline. Affected: yes.
Comment: Not observed at significant frequency in large population cohorts (gnomAD); In silico analysis supports that this missense variant has a deleterious effect on protein structure/function; This variant is associated with the following publications: (PMID: 31350120)

Revvity Omics, Revvity
Classification: Uncertain significance. Last evaluated: 2019-06-06. Review status: flagged submission. Criteria: ACMG Guidelines, 2015. Collection method: clinical testing. Allele origin: germline. Not counted in ClinVar's aggregate classification.
ClinVar note: Reason: Claim with insufficient supporting evidence

Literature cited by the submitters: PubMed 31350120 (cited by Women's Health and Genetics/Laboratory Corporation of America, LabCorp).

NM_213599.3(ANO5):c.2498T>G (p.Met833Arg)

Gene: ANO5 (anoctamin 5; plus strand). Cytogenetic location: 11p14.3.
Variant type: single nucleotide variant.
Coding change: c.2498T>G on transcript NM_213599.3 (MANE Select); coding-DNA position 2498, T replaced by G.
Protein change: p.Met833Arg; replaces methionine 833 with arginine.
Molecular consequence: missense variant.
Genome position (GRCh38, 1-based): chr11:22,276,177, T>G. VCF-style: chr11-22276177-T-G. GRCh37 (hg19) VCF-style: chr11-22297723-T-G.
Other names: c.2495T>G, p.Met832Arg (NM_001142649.2); c.2456T>G, p.Met819Arg (NM_001410963.1); c.2453T>G, p.Met818Arg (NM_001410964.1); short protein forms M818R, M819R, M832R, M833R.
Identifiers: ClinVar variation 2430738 (VCV002430738.5), dbSNP rs142073798, ClinGen allele CA5923598.